The following is an entry in ClinVar:

NM_057175.5(NAA15):c.1988C>G (p.Pro663Arg)

Gene: NAA15 (N-alpha-acetyltransferase 15, NatA auxiliary subunit; plus strand). Cytogenetic location: 4q31.1.
Variant type: single nucleotide variant.
Coding change: c.1988C>G on transcript NM_057175.5 (MANE Select); coding-DNA position 1988, C replaced by G.
Protein change: p.Pro663Arg; replaces proline 663 with arginine.
Molecular consequence: missense variant.
Genome position (GRCh38, 1-based): chr4:139,376,405, C>G. VCF-style: chr4-139376405-C-G. GRCh37 (hg19) VCF-style: chr4-140297559-C-G.
Other names: c.1988C>G, p.Pro663Arg (NM_001410842.1); c.*397C>G (NM_025085.2); short protein forms P663R.
Identifiers: ClinVar variation 1967081 (VCV001967081.5), dbSNP rs752340397, ClinGen allele CA358270025.

ClinVar aggregate classification (germline): Uncertain significance (1 of 4 stars; one submission).

Submission:

Labcorp Genetics (formerly Invitae), Labcorp
Classification: Uncertain significance. Last evaluated: 2022-09-27. Review status: criteria provided, single submitter. Criteria: Invitae Variant Classification Sherloc (09022015). Collection method: clinical testing. Allele origin: germline.
Comment: In summary, the available evidence is currently insufficient to determine the role of this variant in disease. Therefore, it has been classified as a Variant of Uncertain Significance. Algorithms developed to predict the effect of missense changes on protein structure and function are either unavailable or do not agree on the potential impact of this missense change (SIFT: "Tolerated"; PolyPhen-2: "Probably Damaging"; Align-GVGD: "Class C0"). This variant has not been reported in the literature in individuals affected with NAA15-related conditions. This variant is not present in population databases (gnomAD no frequency). This sequence change replaces proline, which is neutral and non-polar, with arginine, which is basic and polar, at codon 663 of the NAA15 protein (p.Pro663Arg).